The following is an entry in ClinVar:

ClinVar aggregate classification (germline): Likely benign. Review status: criteria provided, single submitter (1 of 4 stars). 2 submissions from 2 submitters: Likely benign (1). 1 of the submissions does not count toward it. Last evaluated 2024-08-05.

Conditions:
TNC-related disorder. Also called: TNC-related condition.

Allele frequency attached by ClinVar (database versions not stated): gnomAD 0.00007; ESP Exome Variant Server 0.00008; gnomAD exomes 0.00012; TOPMed 0.00013; ExAC 0.00021.
gnomAD v4.1: 205 of 1,614,108 alleles (0.013%); highest among the groups gnomAD compares: Non-Finnish European, 0.0031%; 1 homozygote.

Submissions (2):

Blueprint Genetics
Classification: Likely benign. Last evaluated: 2024-08-05. Review status: criteria provided, single submitter. Criteria: ACMG Guidelines, 2015. Collection method: clinical testing. Allele origin: germline.

PreventionGenetics, part of Exact Sciences
Classification: Likely benign for TNC-related condition. Last evaluated: 2019-02-21. Review status: no assertion criteria provided. Collection method: clinical testing. Allele origin: germline. Not counted in ClinVar's aggregate classification.
Comment: This variant is classified as likely benign based on ACMG/AMP sequence variant interpretation guidelines (Richards et al. 2015 PMID: 25741868, with internal and published modifications).

NM_002160.4(TNC):c.3810T>C (p.Asp1270=)

Gene: TNC (tenascin C; minus strand). Cytogenetic location: 9q33.1.
Variant type: single nucleotide variant.
Coding change: c.3810T>C on transcript NM_002160.4 (MANE Select); coding-DNA position 3810, T replaced by C.
Protein change: p.Asp1270=; no amino-acid change (aspartic acid 1270 retained).
Molecular consequence: synonymous variant. On other transcripts: intron variant (1).
Genome position (GRCh38, 1-based): chr9:115,063,140, A>G on the plus strand (T>C on the coding strand, the complement: TNC is on the minus strand). VCF-style: chr9-115063140-A-G. GRCh37 (hg19) VCF-style: chr9-117825419-A-G.
Other names: c.3760+656T>C (NM_001410991.1).
Identifiers: ClinVar variation 3047924 (VCV003047924.3), dbSNP rs200744419, ClinGen allele CA5208113.